The following is an entry in ClinVar:

ClinVar aggregate classification (germline): Uncertain significance (1 of 4 stars; one submission).

Conditions:
Fanconi anemia (FA). Also called: Fanconi's anemia. Identifiers: Orphanet 84, MedGen C0015625, MeSH D005199, MONDO:0019391.

Allele frequency attached by ClinVar (database versions not stated): gnomAD exomes below 0.00001.
gnomAD v4.1: 1 of 1,613,870 alleles (0.000062%); highest among the groups gnomAD compares: Non-Finnish European, 0.000085%; no homozygotes.

Submission:

Labcorp Genetics (formerly Invitae), Labcorp
Classification: Uncertain significance for Fanconi anemia. Last evaluated: 2021-02-22. Review status: criteria provided, single submitter. Criteria: Invitae Variant Classification Sherloc (09022015). Collection method: clinical testing. Allele origin: germline.
Comment: In summary, the available evidence is currently insufficient to determine the role of this variant in disease. Therefore, it has been classified as a Variant of Uncertain Significance. Algorithms developed to predict the effect of missense changes on protein structure and function output the following: SIFT: "Tolerated"; PolyPhen-2: "Benign"; Align-GVGD: "Class C0". The cysteine amino acid residue is found in multiple mammalian species, suggesting that this missense change does not adversely affect protein function. These predictions have not been confirmed by published functional studies and their clinical significance is uncertain. This variant has not been reported in the literature in individuals with FANCL-related conditions. This variant is not present in population databases (ExAC no frequency). This sequence change replaces tyrosine with cysteine at codon 165 of the FANCL protein (p.Tyr165Cys). The tyrosine residue is weakly conserved and there is a large physicochemical difference between tyrosine and cysteine.

NM_018062.4(FANCL):c.494A>G (p.Tyr165Cys)

Gene: FANCL (FA complementation group L; minus strand). Cytogenetic location: 2p16.1.
Variant type: single nucleotide variant.
Coding change: c.494A>G on transcript NM_018062.4 (MANE Select); coding-DNA position 494, A replaced by G.
Protein change: p.Tyr165Cys; replaces tyrosine 165 with cysteine.
Molecular consequence: missense variant.
Genome position (GRCh38, 1-based): chr2:58,198,640, T>C on the plus strand (A>G on the coding strand, the complement: FANCL is on the minus strand). VCF-style: chr2-58198640-T-C. GRCh37 (hg19) VCF-style: chr2-58425775-T-C.
Other names: c.494A>G, p.Tyr165Cys (NM_001114636.2, NM_001374615.1, NM_001410792.1); short protein forms Y165C.
Identifiers: ClinVar variation 1373826 (VCV001373826.8), dbSNP rs2105100994, ClinGen allele CA347033950.